The following is an entry in ClinVar:

ClinVar aggregate classification (germline): Uncertain significance. Review status: criteria provided, multiple submitters, no conflicts (2 of 4 stars). 2 submissions from 2 submitters: Uncertain significance (2). Last evaluated 2024-06-17.

Conditions:
Inborn genetic diseases. Identifiers: MedGen C0950123, MeSH D030342.

Allele frequency attached by ClinVar (database versions not stated): ExAC 0.00002; gnomAD 0.00003; TOPMed 0.00004; gnomAD exomes 0.00007.
gnomAD v4.1: 104 of 1,613,870 alleles (0.0064%); highest among the groups gnomAD compares: East Asian, 0.025%; no homozygotes.

Submissions (2):

Labcorp Genetics (formerly Invitae), Labcorp
Classification: Uncertain significance. Last evaluated: 2024-06-17. Review status: criteria provided, single submitter. Criteria: Invitae Variant Classification Sherloc (09022015). Collection method: clinical testing. Allele origin: germline.
Comment: This sequence change replaces arginine, which is basic and polar, with glutamine, which is neutral and polar, at codon 1060 of the HSPG2 protein (p.Arg1060Gln). This variant is present in population databases (rs755828962, gnomAD 0.02%). This variant has not been reported in the literature in individuals affected with HSPG2-related conditions. ClinVar contains an entry for this variant (Variation ID: 2175655). Algorithms developed to predict the effect of missense changes on protein structure and function output the following: SIFT: "Not Available"; PolyPhen-2: "Benign"; Align-GVGD: "Not Available". The glutamine amino acid residue is found in multiple mammalian species, which suggests that this missense change does not adversely affect protein function. In summary, the available evidence is currently insufficient to determine the role of this variant in disease. Therefore, it has been classified as a Variant of Uncertain Significance.

Ambry Genetics
Classification: Uncertain significance for Inborn genetic diseases. Last evaluated: 2022-11-30. Review status: criteria provided, single submitter. Criteria: Ambry Variant Classification Scheme 2023. Collection method: clinical testing. Allele origin: germline.

NM_005529.7(HSPG2):c.3179G>A (p.Arg1060Gln)

Gene: HSPG2 (heparan sulfate proteoglycan 2; minus strand). Cytogenetic location: 1p36.12.
Variant type: single nucleotide variant.
Coding change: c.3179G>A on transcript NM_005529.7 (MANE Select); coding-DNA position 3179, G replaced by A.
Protein change: p.Arg1060Gln; replaces arginine 1060 with glutamine.
Molecular consequence: missense variant.
Genome position (GRCh38, 1-based): chr1:21,875,867, C>T on the plus strand (G>A on the coding strand, the complement: HSPG2 is on the minus strand). VCF-style: chr1-21875867-C-T. GRCh37 (hg19) VCF-style: chr1-22202360-C-T.
Other names: c.3179G>A (NM_005529.5); c.3182G>A, p.Arg1061Gln (NM_001291860.2); short protein forms R1060Q, R1061Q.
Identifiers: ClinVar variation 2175655 (VCV002175655.5), dbSNP rs755828962, ClinGen allele CA672751.